The following is an entry in ClinVar:

NM_005094.4(SLC27A4):c.484C>T (p.Arg162Trp)

Gene: SLC27A4 (solute carrier family 27 member 4; plus strand). Cytogenetic location: 9q34.11.
Variant type: single nucleotide variant.
Coding change: c.484C>T on transcript NM_005094.4 (MANE Select); coding-DNA position 484, C replaced by T.
Protein change: p.Arg162Trp; replaces arginine 162 with tryptophan.
Molecular consequence: missense variant.
Genome position (GRCh38, 1-based): chr9:128,345,477, C>T. VCF-style: chr9-128345477-C-T. GRCh37 (hg19) VCF-style: chr9-131107756-C-T.
Other names: short protein forms R162W.
Identifiers: ClinVar variation 1946138 (VCV001946138.2), dbSNP rs764884901, ClinGen allele CA5260948.

ClinVar aggregate classification (germline): Uncertain significance (1 of 4 stars; one submission).

Allele frequency attached by ClinVar (database versions not stated): ExAC 0.00001; gnomAD 0.00001; TOPMed 0.00001.
gnomAD v4.1: 12 of 1,612,820 alleles (0.00074%); highest among the groups gnomAD compares: East Asian, 0.0022%; no homozygotes.

Submission:

Labcorp Genetics (formerly Invitae), Labcorp
Classification: Uncertain significance. Last evaluated: 2022-03-11. Review status: criteria provided, single submitter. Criteria: Invitae Variant Classification Sherloc (09022015). Collection method: clinical testing. Allele origin: germline.
Comment: This sequence change replaces arginine, which is basic and polar, with tryptophan, which is neutral and slightly polar, at codon 162 of the SLC27A4 protein (p.Arg162Trp). The frequency data for this variant in the population databases is considered unreliable, as metrics indicate poor data quality at this position in the gnomAD database. This variant has not been reported in the literature in individuals affected with SLC27A4-related conditions. Algorithms developed to predict the effect of missense changes on protein structure and function are either unavailable or do not agree on the potential impact of this missense change (SIFT: "Tolerated"; PolyPhen-2: "Probably Damaging"; Align-GVGD: "Class C0"). In summary, the available evidence is currently insufficient to determine the role of this variant in disease. Therefore, it has been classified as a Variant of Uncertain Significance.